The following is an entry in ClinVar:

ClinVar aggregate classification (germline): Uncertain significance. Review status: criteria provided, multiple submitters, no conflicts (2 of 4 stars). 3 submissions from 3 submitters: Uncertain significance (3). Last evaluated 2024-03-16.

Conditions:
Inborn genetic diseases. Identifiers: MedGen C0950123, MeSH D030342.

Allele frequency attached by ClinVar (database versions not stated): ExAC 0.00001; gnomAD 0.00001; gnomAD exomes 0.00002 and 0.00005; TOPMed 0.00003.
gnomAD v4.1: 80 of 1,612,484 alleles (0.005%); highest among the groups gnomAD compares: Non-Finnish European, 0.0063%; no homozygotes.

Submissions (3):

Ambry Genetics
Classification: Uncertain significance for Inborn genetic diseases. Last evaluated: 2024-03-16. Review status: criteria provided, single submitter. Criteria: Ambry Variant Classification Scheme 2023. Collection method: clinical testing. Allele origin: germline.

Women's Health and Genetics/Laboratory Corporation of America, LabCorp
Classification: Uncertain significance. Last evaluated: 2022-02-22. Review status: criteria provided, single submitter. Criteria: LabCorp Variant Classification Summary - May 2015. Collection method: clinical testing. Allele origin: germline.
Comment: Variant summary: SKIV2L c.1732C>T (p.Arg578Cys) results in a non-conservative amino acid change in the encoded protein sequence. Five of five in-silico tools predict a damaging effect of the variant on protein function. The variant allele was found at a frequency of 1.6e-05 in 246096 control chromosomes (gnomAD). The available data on variant occurrences in the general population are insufficient to allow any conclusion about variant significance. To our knowledge, no occurrence of c.1732C>T in individuals affected with Trichohepatoenteric Syndrome and no experimental evidence demonstrating its impact on protein function have been reported. No clinical diagnostic laboratories have submitted clinical-significance assessments for this variant to ClinVar after 2014. Based on the evidence outlined above, the variant was classified as uncertain significance.

Labcorp Genetics (formerly Invitae), Labcorp
Classification: Uncertain significance. Last evaluated: 2022-02-20. Review status: criteria provided, single submitter. Criteria: Invitae Variant Classification Sherloc (09022015). Collection method: clinical testing. Allele origin: germline.
Comment: This sequence change replaces arginine, which is basic and polar, with cysteine, which is neutral and slightly polar, at codon 578 of the SKIV2L protein (p.Arg578Cys). This variant is present in population databases (rs762204789, gnomAD 0.003%). This variant has not been reported in the literature in individuals affected with SKIV2L-related conditions. Algorithms developed to predict the effect of missense changes on protein structure and function are either unavailable or do not agree on the potential impact of this missense change (SIFT: "Deleterious"; PolyPhen-2: "Probably Damaging"; Align-GVGD: "Class C0"). In summary, the available evidence is currently insufficient to determine the role of this variant in disease. Therefore, it has been classified as a Variant of Uncertain Significance.

NM_006929.5(SKIC2):c.1732C>T (p.Arg578Cys)

Gene: SKIC2 (SKI2 subunit of superkiller complex; plus strand). Cytogenetic location: 6p21.33.
Variant type: single nucleotide variant.
Coding change: c.1732C>T on transcript NM_006929.5 (MANE Select); coding-DNA position 1732, C replaced by T.
Protein change: p.Arg578Cys; replaces arginine 578 with cysteine.
Molecular consequence: missense variant.
Genome position (GRCh38, 1-based): chr6:31,963,997, C>T. VCF-style: chr6-31963997-C-T. GRCh37 (hg19) VCF-style: chr6-31931774-C-T.
Other names: short protein forms R578C.
Identifiers: ClinVar variation 1343628 (VCV001343628.4), dbSNP rs762204789, ClinGen allele CA3729570.